The following is an entry in ClinVar:

NM_001378454.1(ALMS1):c.9068C>G (p.Ser3023Ter)

Gene: ALMS1 (ALMS1 centrosome and basal body associated protein; plus strand). Cytogenetic location: 2p13.1.
Variant type: single nucleotide variant.
Coding change: c.9068C>G on transcript NM_001378454.1 (MANE Select); coding-DNA position 9068, C replaced by G.
Protein change: p.Ser3023Ter; replaces serine 3023 with a stop codon.
Molecular consequence: nonsense.
Genome position (GRCh38, 1-based): chr2:73,491,027, C>G. VCF-style: chr2-73491027-C-G. GRCh37 (hg19) VCF-style: chr2-73718154-C-G.
Other names: c.9071C>G, p.Ser3024Ter (NM_015120.4); short protein forms S3023*, S3024*.
Identifiers: ClinVar variation 2800511 (VCV002800511.4), dbSNP rs768037558, ClinGen allele CA347272843.

ClinVar aggregate classification (germline): Pathogenic (1 of 4 stars; one submission).

Conditions:
Alstrom syndrome (ALMS). Identifiers: Orphanet 64, MedGen C0268425, MONDO:0008763, OMIM 203800.

gnomAD v4.1: 1 of 1,614,202 alleles (0.000062%); highest among the groups gnomAD compares: Non-Finnish European, 0.000085%; no homozygotes.

Submission:

Labcorp Genetics (formerly Invitae), Labcorp
Classification: Pathogenic for Alstrom syndrome. Last evaluated: 2023-07-25. Review status: criteria provided, single submitter. Criteria: Invitae Variant Classification Sherloc (09022015). Collection method: clinical testing. Allele origin: germline.
Comment: This variant is not present in population databases (gnomAD no frequency). This variant has not been reported in the literature in individuals affected with ALMS1-related conditions. For these reasons, this variant has been classified as Pathogenic. This sequence change creates a premature translational stop signal (p.Ser3024*) in the ALMS1 gene. It is expected to result in an absent or disrupted protein product. Loss-of-function variants in ALMS1 are known to be pathogenic (PMID: 17594715).

Literature cited by the submitters: PubMed 17594715.